The following is an entry in ClinVar:

ClinVar aggregate classification (germline): Pathogenic (1 of 4 stars; one submission).

Conditions:
Skraban-Deardorff syndrome. Also called: INTELLECTUAL DISABILITY WITH SEIZURES, ABNORMAL GAIT, AND DISTINCTIVE FACIAL FEATURES; WDR26-Related Intellectual Disability. Identifiers: Orphanet 513456, MedGen C4539927, MONDO:0054636, OMIM 617616.

Submission:

Victorian Clinical Genetics Services, Murdoch Childrens Research Institute
Classification: Pathogenic for Skraban-Deardorff syndrome. Last evaluated: 2025-04-29. Review status: criteria provided, single submitter. Criteria: ACMG Guidelines, 2015. Collection method: clinical testing. Allele origin: germline. Affected: yes.
Comment: This variant is classified as Pathogenic. Evidence in support of pathogenic classification: Variant is predicted to cause nonsense-mediated decay (NMD) and loss of protein (premature termination codon is located at least 54 nucleotides upstream of the final exon-exon junction); Variant is absent from gnomAD (v2, v3 and v4); Other NMD-predicted variants comparable to the one identified in this case have very strong previous evidence for pathogenicity (DECIPHER); Additional information: This variant is heterozygous; This gene is associated with autosomal dominant disease; Loss of function is a known mechanism of disease in this gene and is associated with Skraban-Deardorff syndrome (MIM#617616).

NM_001379403.1(WDR26):c.807_810del (p.Gly270fs)

Gene: WDR26 (WD repeat domain 26; minus strand). Cytogenetic location: 1q42.12.
Variant type: Deletion.
Coding change: c.807_810del on transcript NM_001379403.1 (MANE Select); coding-DNA positions 807 to 810, 4 bases deleted (AGGA; older notation c.807_810delAGGA).
Protein change: p.Gly270fs; shifts the reading frame from glycine 270.
Molecular consequence: frameshift variant.
Genome position (GRCh38, 1-based): chr1:224,431,694-224,431,697, TCCT deleted on the plus strand (AGGA on the coding strand, the reverse complement: WDR26 is on the minus strand); deleting any 4 consecutive bases within chr1:224,431,694-224,431,700 gives the same sequence; the c. name uses the placement nearest the transcript's 3' end. VCF-style (leftmost placement, unchanged base first): chr1-224431693-CTCCT-C. GRCh37 (hg19) VCF-style: chr1-224619395-CTCCT-C.
Other names: c.507_510del, p.Gly170fs (NM_001115113.3, NM_025160.7); short protein forms G170fs, G270fs.
Identifiers: ClinVar variation 4531391 (VCV004531391.1).